The following is an entry in ClinVar:

NM_001378454.1(ALMS1):c.975G>A (p.Ser325=)

Gene: ALMS1 (ALMS1 centrosome and basal body associated protein; plus strand). Cytogenetic location: 2p13.1.
Variant type: single nucleotide variant.
Coding change: c.975G>A on transcript NM_001378454.1 (MANE Select); coding-DNA position 975, G replaced by A.
Protein change: p.Ser325=; no amino-acid change (serine 325 retained).
Molecular consequence: synonymous variant.
Genome position (GRCh38, 1-based): chr2:73,424,640, G>A. VCF-style: chr2-73424640-G-A. GRCh37 (hg19) VCF-style: chr2-73651768-G-A.
Other names: c.978G>A, p.Ser326= (NM_015120.4).
Identifiers: ClinVar variation 696612 (VCV000696612.20), dbSNP rs370267673, ClinGen allele CA1713025.

ClinVar aggregate classification (germline): Benign/Likely benign. Review status: criteria provided, multiple submitters, no conflicts (2 of 4 stars). 8 submissions from 8 submitters: Benign (1); Likely benign (6). 1 of the submissions does not count toward it. Last evaluated 2026-07-01.

Conditions:
Alstrom syndrome (ALMS). Identifiers: Orphanet 64, MedGen C0268425, MONDO:0008763, OMIM 203800.
Cardiovascular phenotype. Identifiers: MedGen CN230736.

Allele frequency attached by ClinVar (database versions not stated): gnomAD 0.00001 and 0.00009; TOPMed 0.00003; ESP Exome Variant Server 0.00008; 1000 Genomes Project 0.00060; 1000 Genomes Project 30x 0.00062.
gnomAD v4.1: 269 of 1,613,948 alleles (0.017%); highest among the groups gnomAD compares: South Asian, 0.24%; 2 homozygotes.

Submissions (8):

CeGaT Center for Human Genetics Tuebingen
Classification: Likely benign. Last evaluated: 2026-07-01. Review status: criteria provided, single submitter. Criteria: CeGaT Center For Human Genetics Tuebingen Variant Classification Criteria Version 2. Collection method: clinical testing. Allele origin: germline. Affected: yes. Observed: 1 variant allele.
Comment: ALMS1: BP4, BP7

Labcorp Genetics (formerly Invitae), Labcorp
Classification: Benign for Alstrom syndrome. Last evaluated: 2026-01-15. Review status: criteria provided, single submitter. Criteria: Invitae Variant Classification Sherloc (09022015). Collection method: clinical testing. Allele origin: germline.

Blueprint Genetics
Classification: Likely benign. Last evaluated: 2024-11-05. Review status: criteria provided, single submitter. Criteria: ACMG Guidelines, 2015. Collection method: clinical testing. Allele origin: germline.

Women's Health and Genetics/Laboratory Corporation of America, LabCorp
Classification: Likely benign. Last evaluated: 2021-12-10. Review status: criteria provided, single submitter. Criteria: LabCorp Variant Classification Summary - May 2015. Collection method: clinical testing. Allele origin: germline.

Fulgent Genetics
Classification: Likely benign for Alstrom syndrome. Last evaluated: 2021-11-30. Review status: criteria provided, single submitter. Criteria: ACMG Guidelines, 2015. Collection method: clinical testing. Allele origin: unknown.

Ambry Genetics
Classification: Likely benign for Cardiovascular phenotype. Last evaluated: 2021-05-06. Review status: criteria provided, single submitter. Criteria: Ambry Variant Classification Scheme 2023. Collection method: clinical testing. Allele origin: germline.

GeneDx
Classification: Likely benign. Last evaluated: 2020-01-03. Review status: criteria provided, single submitter. Criteria: GeneDx Variant Classification Process June 2021. Collection method: clinical testing. Allele origin: germline. Affected: yes.

Natera, Inc.
Classification: Benign for Alstrom syndrome. Last evaluated: 2020-05-02. Review status: no assertion criteria provided. Collection method: clinical testing. Allele origin: germline. Not counted in ClinVar's aggregate classification.